The following is an entry in ClinVar:

ClinVar aggregate classification (germline): Likely benign (1 of 4 stars; one submission).

Allele frequency attached by ClinVar (database versions not stated): gnomAD below 0.00001 and 0.00001; TOPMed 0.00001.
gnomAD v4.1: 2 of 1,606,058 alleles (0.00012%); highest among the groups gnomAD compares: South Asian, 0.0011%; no homozygotes.

Submission:

GeneDx
Classification: Likely benign. Last evaluated: 2016-01-06. Review status: criteria provided, single submitter. Criteria: GeneDx Variant Classification (06012015). Collection method: clinical testing. Allele origin: germline. Affected: yes.
Comment: This variant is considered likely benign or benign based on one or more of the following criteria: it is a conservative change, it occurs at a poorly conserved position in the protein, it is predicted to be benign by multiple in silico algorithms, and/or has population frequency not consistent with disease.

NM_058195.4(CDKN2A):c.-6G>A

Gene: CDKN2A (cyclin dependent kinase inhibitor 2A; minus strand). Cytogenetic location: 9p21.3.
Variant type: single nucleotide variant.
Coding change: c.-6G>A on transcript NM_058195.4 (MANE Plus Clinical); 6 bases upstream of the start codon, G replaced by A.
Molecular consequence: 5 prime UTR variant. On other transcripts: intron variant (1).
Genome position (GRCh38, 1-based): chr9:21,994,337, C>T on the plus strand (G>A on the coding strand, the complement: CDKN2A is on the minus strand). VCF-style: chr9-21994337-C-T. GRCh37 (hg19) VCF-style: chr9-21994336-C-T.
Other names: c.-4+484G>A (NM_001363763.2).
Identifiers: ClinVar variation 382841 (VCV000382841.3), dbSNP rs1057521467, ClinGen allele CA16605509.